The following is an entry in ClinVar:

NM_001184.4(ATR):c.3725+2T>C

Gene: ATR (ATR serine/threonine kinase; minus strand). Cytogenetic location: 3q23.
Variant type: single nucleotide variant.
Coding change: c.3725+2T>C on transcript NM_001184.4 (MANE Select); the canonical splice donor site of the intron after coding-DNA position 3725, T replaced by C.
Molecular consequence: splice donor variant.
Genome position (GRCh38, 1-based): chr3:142,538,480, A>G on the plus strand (T>C on the coding strand, the complement: ATR is on the minus strand). VCF-style: chr3-142538480-A-G. GRCh37 (hg19) VCF-style: chr3-142257322-A-G.
Other names: c.3533+2T>C (NM_001354579.2).
Identifiers: ClinVar variation 3629927 (VCV003629927.1).

ClinVar aggregate classification (germline): Likely pathogenic (1 of 4 stars; one submission).

Conditions:
Seckel syndrome 1 (SCKL1). Also called: MICROCEPHALIC PRIMORDIAL DWARFISM I. Identifiers: Orphanet 808, MedGen C4551474, MONDO:0008869, OMIM 210600.

Submission:

Women's Health and Genetics/Laboratory Corporation of America, LabCorp
Classification: Likely pathogenic for Seckel syndrome 1. Last evaluated: 2024-11-22. Review status: criteria provided, single submitter. Criteria: LabCorp Variant Classification Summary - May 2015. Collection method: clinical testing. Allele origin: germline.
Comment: Variant summary: ATR c.3725+2T>C is located in a canonical splice-site and is predicted to affect mRNA splicing resulting in a significantly altered protein due to either exon skipping, shortening, or inclusion of intronic material. Variants that disrupt the consensus splice site are a relatively common cause of aberrant splicing and loss of ATR function. Several computational tools predict a significant impact on normal splicing: Three predict the variant abolishes a 5' splicing donor site. However, these predictions have yet to be confirmed by functional studies. The variant was absent in 250396 control chromosomes. To our knowledge, no occurrence of c.3725+2T>C in individuals affected with Seckel Syndrome 1 and no experimental evidence demonstrating its impact on protein function have been reported. No submitters have cited clinical-significance assessments for this variant to ClinVar. Based on the evidence outlined above, the variant was classified as likely pathogenic.